The following is an entry in ClinVar:

ClinVar aggregate classification (germline): Benign (0 of 4 stars; one submission).

Conditions:
IQGAP3-related disorder. Also called: IQGAP3-related condition.

Allele frequency attached by ClinVar (database versions not stated): ESP Exome Variant Server 0.00192; ExAC 0.00898; 1000 Genomes Project 0.01617; 1000 Genomes Project 30x 0.01686.
gnomAD v4.1: 7,602 of 1,613,942 alleles (0.47%); highest among the groups gnomAD compares: East Asian, 4.7%; 150 homozygotes.

Submission:

PreventionGenetics, part of Exact Sciences
Classification: Benign for IQGAP3-related condition. Last evaluated: 2019-04-16. Review status: no assertion criteria provided. Collection method: clinical testing. Allele origin: germline.
Comment: This variant is classified as benign based on ACMG/AMP sequence variant interpretation guidelines (Richards et al. 2015 PMID: 25741868, with internal and published modifications).

NM_178229.5(IQGAP3):c.3370G>A (p.Ala1124Thr)

Gene: IQGAP3 (IQ motif containing GTPase activating protein 3; minus strand). Cytogenetic location: 1q22.
Variant type: single nucleotide variant.
Coding change: c.3370G>A on transcript NM_178229.5 (MANE Select); coding-DNA position 3370, G replaced by A.
Protein change: p.Ala1124Thr; replaces alanine 1124 with threonine.
Molecular consequence: missense variant.
Genome position (GRCh38, 1-based): chr1:156,537,233, C>T on the plus strand (G>A on the coding strand, the complement: IQGAP3 is on the minus strand). VCF-style: chr1-156537233-C-T. GRCh37 (hg19) VCF-style: chr1-156507025-C-T.
Other names: short protein forms A1124T.
Identifiers: ClinVar variation 3059556 (VCV003059556.2), dbSNP rs34980426, ClinGen allele CA1161048.